The following is an entry in ClinVar:

ClinVar aggregate classification (germline): Benign. Review status: criteria provided, multiple submitters, no conflicts (2 of 4 stars). 2 submissions from 2 submitters: Benign (2). Last evaluated 2018-06-19.

Allele frequency attached by ClinVar (database versions not stated): 1000 Genomes Project 0.41294; 1000 Genomes Project 30x 0.40553; TOPMed 0.41317.
gnomAD v4.1: 591,823 of 1,323,810 alleles (45%); highest among the groups gnomAD compares: East Asian, 59%; 135,666 homozygotes.

Submissions (2):

GeneDx
Classification: Benign. Last evaluated: 2018-06-19. Review status: criteria provided, single submitter. Criteria: GeneDx Variant Classification (06012015). Collection method: clinical testing. Allele origin: germline. Affected: yes.
Comment: This variant is considered likely benign or benign based on one or more of the following criteria: it is a conservative change, it occurs at a poorly conserved position in the protein, it is predicted to be benign by multiple in silico algorithms, and/or has population frequency not consistent with disease.

Breakthrough Genomics
Classification: Benign. Review status: criteria provided, single submitter. Criteria: ACMG Guidelines, 2015. Collection method: not provided. Allele origin: germline. Inheritance: Autosomal recessive inheritance. Affected: yes.

NM_001083961.2(WDR62):c.1959-84G>C

Gene: WDR62 (WD repeat domain 62; plus strand). Cytogenetic location: 19q13.12.
Variant type: single nucleotide variant.
Coding change: c.1959-84G>C on transcript NM_001083961.2 (MANE Select); 84 bases into the intron before coding-DNA position 1959, G replaced by C.
Molecular consequence: intron variant.
Genome position (GRCh38, 1-based): chr19:36,090,361, G>C. VCF-style: chr19-36090361-G-C. GRCh37 (hg19) VCF-style: chr19-36581263-G-C.
Other names: c.1959-84G>C (NM_173636.5).
Identifiers: ClinVar variation 672331 (VCV000672331.2), dbSNP rs3746271, ClinGen allele CA14641835.